The following is an entry in ClinVar:

NM_022834.5(VWA1):c.73+132_73+143dup

Gene: VWA1 (von Willebrand factor A domain containing 1; plus strand). Cytogenetic location: 1p36.33.
Variant type: Duplication.
Coding change: c.73+132_73+143dup on transcript NM_022834.5 (MANE Select); bases 132 to 143 of the intron after coding-DNA position 73, 12 bases duplicated (GGGCGCGGGCGG).
Molecular consequence: intron variant.
Genome position (GRCh38, 1-based): chr1:1,435,953-1,435,964, GGGCGCGGGCGG duplicated; duplicating any 12 consecutive bases within chr1:1,435,946-1,435,964 gives the same sequence; the c. name uses the placement nearest the transcript's 3' end. VCF-style (leftmost placement, unchanged base first): chr1-1435945-C-CCGGGCGGGGGCG. GRCh37 (hg19) VCF-style: chr1-1371325-C-CCGGGCGGGGGCG.
Other names: c.73+132_73+143dup (NM_199121.3).
Identifiers: ClinVar variation 1264926 (VCV001264926.3), dbSNP rs1553196206, ClinGen allele CA16812812.

ClinVar aggregate classification (germline): Conflicting classifications of pathogenicity. Review status: criteria provided, conflicting classifications (1 of 4 stars). 2 submissions from 2 submitters: VUS-mid (1); Benign (1). Last evaluated 2021-05-17.

Conditions:
Zygodactyly type 1. Identifiers: Orphanet 295187, Orphanet 93402, MedGen C1853294, MONDO:0012351, OMIM 609815.

Submissions (2):

GeneDx
Classification: Benign. Last evaluated: 2021-05-17. Review status: criteria provided, single submitter. Criteria: GeneDx Variant Classification Process June 2021. Collection method: clinical testing. Allele origin: germline. Affected: yes.

Dr. Orhan Ocalgiray Molecular Biology-Biotechnology and Genetics Research Centre (MOBGAM), Istanbul Technical University
Classification: VUS-mid for Zygodactyly type 1. Review status: criteria provided, single submitter. Criteria: ACMG Guidelines, 2015. Collection method: research. Allele origin: germline. Inheritance: Autosomal dominant inheritance. Affected: yes. Observed: 1 variant allele, 1 heterozygote.
Comment: rs1553196206 is a very frequent (0.176 in Turks, 152/864 alleles) variant, and is found in multiple Turkish ZD1 individuals. It was not enriched in ZD1 group compared to the population, so that it is assessed as VUS.